The following is an entry in ClinVar:

NM_001242896.3(DEPDC5):c.262A>G (p.Asn88Asp)

Gene: DEPDC5 (DEP domain containing 5, GATOR1 subcomplex subunit; plus strand). Cytogenetic location: 22q12.2.
Variant type: single nucleotide variant.
Coding change: c.262A>G on transcript NM_001242896.3 (MANE Select); coding-DNA position 262, A replaced by G.
Protein change: p.Asn88Asp; replaces asparagine 88 with aspartic acid.
Molecular consequence: missense variant. On other transcripts: non-coding transcript variant (5).
Genome position (GRCh38, 1-based): chr22:31,765,043, A>G. VCF-style: chr22-31765043-A-G. GRCh37 (hg19) VCF-style: chr22-32161029-A-G.
Other names: c.262A>G, p.Asn88Asp (NM_001007188.4, NM_001136029.4, NM_001242897.2 and 9 more transcripts); short protein forms N88D.
Identifiers: ClinVar variation 466473 (VCV000466473.36), dbSNP rs144712084, ClinGen allele CA10195888.
Genomic context (GRCh38, chr22:31,765,043, plus strand): 5'-AGTGTGGACCAGACTGTGACTCAAGTGTTCCGGCTGAGACCTTATCAGGATGTCTATGTT[A>G]ATGTCGTAGACCCTAAGGTATGTCTTTGTTTTGTACTTGAATATCTTTTTGGAATAAGCA-3'
Protein context (NP_001229825.1, residues 78-98): RLRPYQDVYV[Asn88Asp]VVDPKDVTLD

ClinVar aggregate classification (germline): Conflicting classifications of pathogenicity. Review status: criteria provided, conflicting classifications (1 of 4 stars). 8 submissions from 8 submitters: Uncertain significance (3); Benign (2); Likely benign (2). 1 of the submissions does not count toward it. Last evaluated 2026-02-03.

Conditions:
DEPDC5-related disorder. Also called: DEPDC5-related condition; DEPDC5-related related disorder.
Familial focal epilepsy with variable foci (FPEVF). Identifiers: Orphanet 98820, MedGen C1858477, MONDO:0020310.
Inborn genetic diseases. Identifiers: MedGen C0950123, MeSH D030342.
Epilepsy, familial focal, with variable foci 1 (FFEVF1). Also called: DEPDC5-Related Epilepsy. Identifiers: MedGen C4551983, MONDO:0024556, OMIM 604364.

Allele frequency attached by ClinVar (database versions not stated): ESP Exome Variant Server 0.00115; TOPMed 0.00116; 1000 Genomes Project 30x 0.00125; 1000 Genomes Project 0.00140; gnomAD exomes 0.00021; ExAC 0.00030; gnomAD 0.00094 and 0.00103.
gnomAD v4.1: 292 of 1,613,846 alleles (0.018%); highest among the groups gnomAD compares: African/African-American, 0.36%; 1 homozygote.

Submissions (8):

Labcorp Genetics (formerly Invitae), Labcorp
Classification: Likely benign for Familial focal epilepsy with variable foci. Last evaluated: 2026-02-03. Review status: criteria provided, single submitter. Criteria: Invitae Variant Classification Sherloc (09022015). Collection method: clinical testing. Allele origin: germline.

Genomic Medicine Center of Excellence, King Faisal Specialist Hospital and Research Centre
Classification: Uncertain significance for Epilepsy, familial focal, with variable foci 1. Last evaluated: 2025-09-10. Review status: criteria provided, single submitter. Criteria: ACMG Guidelines, 2015. Collection method: clinical testing. Allele origin: germline.

CeGaT Center for Human Genetics Tuebingen
Classification: Likely benign. Last evaluated: 2024-12-01. Review status: criteria provided, single submitter. Criteria: CeGaT Center For Human Genetics Tuebingen Variant Classification Criteria Version 2. Collection method: clinical testing. Allele origin: germline. Affected: yes. Observed: 1 variant allele.
Comment: DEPDC5: BS1

ARUP Laboratories, Molecular Genetics and Genomics, ARUP Laboratories
Classification: Uncertain significance. Last evaluated: 2024-10-11. Review status: criteria provided, single submitter. Criteria: ARUP Molecular Germline Variant Investigation Process 2024. Collection method: clinical testing. Allele origin: germline.
Comment: The DEPDC5 c.262A>G;p.Asn88Asp variant (rs144712084), to our knowledge, is not reported in the medical literature but is reported in ClinVar (Variation ID: 466473). This variant is found predominantly in the African/African-American population with an allele frequency of 0.31% (76/24196 alleles) in the Genome Aggregation Database (v2.1.1). Computational analyses are uncertain whether this variant is neutral or deleterious (REVEL: 0.229). Due to limited information, the clinical significance of this variant is uncertain at this time.

Athena Diagnostics
Classification: Benign. Last evaluated: 2019-11-08. Review status: criteria provided, single submitter. Criteria: Athena Diagnostics Criteria. Collection method: clinical testing. Allele origin: unknown.

GeneDx
Classification: Benign. Last evaluated: 2019-08-30. Review status: criteria provided, single submitter. Criteria: GeneDx Variant Classification Process June 2021. Collection method: clinical testing. Allele origin: germline. Affected: yes.

Ambry Genetics
Classification: Uncertain significance for Inborn genetic diseases. Last evaluated: 2018-03-13. Review status: criteria provided, single submitter. Criteria: Ambry Variant Classification Scheme 2023. Collection method: clinical testing. Allele origin: germline.
Comment: The p.N88D variant (also known as c.262A>G), located in coding exon 4 of the DEPDC5 gene, results from an A to G substitution at nucleotide position 262. The asparagine at codon 88 is replaced by aspartic acid, an amino acid with highly similar properties. This amino acid position is highly conserved in available vertebrate species. In addition, this alteration is predicted to be tolerated by in silico analysis. Since supporting evidence is limited at this time, the clinical significance of this alteration remains unclear.

PreventionGenetics, part of Exact Sciences
Classification: Likely benign for DEPDC5-related condition. Last evaluated: 2021-06-18. Review status: no assertion criteria provided. Collection method: clinical testing. Allele origin: germline. Not counted in ClinVar's aggregate classification.
Comment: This variant is classified as likely benign based on ACMG/AMP sequence variant interpretation guidelines (Richards et al. 2015 PMID: 25741868, with internal and published modifications).